The following is an entry in ClinVar:

NM_207122.2(EXT2):c.743+1_743+2dup

Gene: EXT2 (exostosin glycosyltransferase 2; plus strand). Cytogenetic location: 11p11.2.
Variant type: Duplication.
Coding change: c.743+1_743+2dup on transcript NM_207122.2 (MANE Select); the canonical splice donor site of the intron after coding-DNA position 743, 2 bases duplicated (GT; older notation c.743+1_743+2dupGT).
Molecular consequence: splice donor variant.
Genome position (GRCh38, 1-based): chr11:44,114,302-44,114,303, GT duplicated. VCF-style (leftmost placement, unchanged base first): chr11-44114301-G-GGT. GRCh37 (hg19) VCF-style: chr11-44135851-G-GGT.
Other names: c.743+1_743+2dup (NM_001389630.1, NM_001178083.3, NM_001389628.1); c.842+1_842+2dup (NM_000401.3).
Identifiers: ClinVar variation 806647 (VCV000806647.50), dbSNP rs1590555709, ClinGen allele CA915948124.

ClinVar aggregate classification (germline): Conflicting classifications of pathogenicity. Review status: criteria provided, conflicting classifications (1 of 4 stars). 2 submissions from 2 submitters: Pathogenic (1); Uncertain significance (1). Last evaluated 2019-04-01.

Conditions:
Exostoses, multiple, type 2 (EXT2). Also called: EXOSTOSES, MULTIPLE, TYPE II; Hereditary Multiple Osteochondromatosis, Type II. Identifiers: Orphanet 321, MedGen C1851413, MONDO:0007586, OMIM 133701.

Submissions (2):

CeGaT Center for Human Genetics Tuebingen
Classification: Uncertain significance. Last evaluated: 2019-04-01. Review status: criteria provided, single submitter. Criteria: CeGaT Center For Human Genetics Tuebingen Variant Classification Criteria Version 2. Collection method: clinical testing. Allele origin: germline. Affected: yes. Observed: 1 variant allele.

Labcorp Genetics (formerly Invitae), Labcorp
Classification: Pathogenic for Exostoses, multiple, type 2. Last evaluated: 2019-02-22. Review status: criteria provided, single submitter. Criteria: Invitae Variant Classification Sherloc (09022015). Collection method: clinical testing. Allele origin: germline.
Comment: This variant inserts 2 nucleotides in the consensus splice site at the exon 4 / intron 4 boundary. This is expected to create a frameshift leading to a premature translational stop signal (p.Pro249fs) in the EXT2 gene and result in an absent or disrupted protein product. This variant is not present in population databases (ExAC no frequency). This variant has not been reported in the literature in individuals with EXT2-related conditions. Algorithms developed to predict the effect of sequence changes on RNA splicing suggest that this variant may disrupt the consensus splice site, but this prediction has not been confirmed by published transcriptional studies. Loss-of-function variants in EXT2 are known to be pathogenic (PMID: 10679937, 19810120). For these reasons, this variant has been classified as Pathogenic.

Literature cited by the submitters: PubMed 10679937 (cited by Labcorp Genetics (formerly Invitae), Labcorp); PubMed 19810120 (cited by Labcorp Genetics (formerly Invitae), Labcorp).